The following is an entry in ClinVar:

NM_001082486.2(ACD):c.352C>G (p.Leu118Val)

Gene: ACD (ACD shelterin complex subunit and telomerase recruitment factor; minus strand). Cytogenetic location: 16q22.1.
Variant type: single nucleotide variant.
Coding change: c.352C>G on transcript NM_001082486.2 (MANE Select); coding-DNA position 352, C replaced by G.
Protein change: p.Leu118Val; replaces leucine 118 with valine.
Molecular consequence: missense variant.
Genome position (GRCh38, 1-based): chr16:67,659,598, G>C on the plus strand (C>G on the coding strand, the complement: ACD is on the minus strand). VCF-style: chr16-67659598-G-C. GRCh37 (hg19) VCF-style: chr16-67693501-G-C.
Other names: c.352C>G, p.Leu118Val (NM_001410884.1); c.343C>G, p.Leu115Val (NM_022914.3); short protein forms L118V, L115V.
Identifiers: ClinVar variation 3479816 (VCV003479816.3).

ClinVar aggregate classification (germline): Uncertain significance. Review status: criteria provided, multiple submitters, no conflicts (2 of 4 stars). 2 submissions from 2 submitters: Uncertain significance (2). Last evaluated 2024-09-03.

Conditions:
Dyskeratosis congenita, autosomal dominant 6 (DKCA6). Identifiers: Orphanet 3322, MedGen C4225284, MONDO:0014690, OMIM 616553.
Inborn genetic diseases. Identifiers: MedGen C0950123, MeSH D030342.

gnomAD v4.1: 1 of 1,613,552 alleles (0.000062%); highest among the groups gnomAD compares: Non-Finnish European, 0.000085%; no homozygotes.

Submissions (2):

Ambry Genetics
Classification: Uncertain significance for Inborn genetic diseases. Last evaluated: 2024-09-03. Review status: criteria provided, single submitter. Criteria: Ambry Variant Classification Scheme 2023. Collection method: clinical testing. Allele origin: germline.
Comment: The p.L204V variant (also known as c.610C>G), located in coding exon 4 of the ACD gene, results from a C to G substitution at nucleotide position 610. The leucine at codon 204 is replaced by valine, an amino acid with highly similar properties. This amino acid position is conserved. In addition, the in silico prediction for this alteration is inconclusive. Based on the available evidence, the clinical significance of this variant remains unclear.

Labcorp Genetics (formerly Invitae), Labcorp
Classification: Uncertain significance for Dyskeratosis congenita, autosomal dominant 6. Last evaluated: 2024-06-26. Review status: criteria provided, single submitter. Criteria: Invitae Variant Classification Sherloc (09022015). Collection method: clinical testing. Allele origin: germline.
Comment: This sequence change replaces leucine, which is neutral and non-polar, with valine, which is neutral and non-polar, at codon 204 of the ACD protein (p.Leu204Val). This variant is not present in population databases (gnomAD no frequency). This variant has not been reported in the literature in individuals affected with ACD-related conditions. Advanced modeling of protein sequence and biophysical properties (such as structural, functional, and spatial information, amino acid conservation, physicochemical variation, residue mobility, and thermodynamic stability) performed at Invitae indicates that this missense variant is expected to disrupt ACD protein function with a positive predictive value of 80%. In summary, the available evidence is currently insufficient to determine the role of this variant in disease. Therefore, it has been classified as a Variant of Uncertain Significance.